The following is an entry in ClinVar:

ClinVar aggregate classification (germline): Conflicting classifications of pathogenicity. Review status: criteria provided, conflicting classifications (1 of 4 stars). 2 submissions from 2 submitters: Uncertain significance (1); Likely benign (1). Last evaluated 2026-06-01.

Submissions (2):

CeGaT Center for Human Genetics Tuebingen
Classification: Likely benign. Last evaluated: 2026-06-01. Review status: criteria provided, single submitter. Criteria: CeGaT Center For Human Genetics Tuebingen Variant Classification Criteria Version 2. Collection method: clinical testing. Allele origin: germline. Affected: yes. Observed: 1 variant allele.
Comment: NBEA: BS2

GeneDx
Classification: Uncertain significance. Last evaluated: 2024-05-03. Review status: criteria provided, single submitter. Criteria: GeneDx Variant Classification Process June 2021. Collection method: clinical testing. Allele origin: germline. Affected: yes.
Comment: Not observed at significant frequency in large population cohorts (gnomAD); In silico analysis indicates that this missense variant does not alter protein structure/function; Has not been previously published as pathogenic or benign to our knowledge

NM_001385012.1(NBEA):c.4165A>G (p.Met1389Val)

Gene: NBEA (neurobeachin; plus strand). Cytogenetic location: 13q13.3.
Variant type: single nucleotide variant.
Coding change: c.4165A>G on transcript NM_001385012.1 (MANE Select); coding-DNA position 4165, A replaced by G.
Protein change: p.Met1389Val; replaces methionine 1389 with valine.
Molecular consequence: missense variant.
Genome position (GRCh38, 1-based): chr13:35,164,441, A>G. VCF-style: chr13-35164441-A-G. GRCh37 (hg19) VCF-style: chr13-35738578-A-G.
Other names: c.4165A>G, p.Met1389Val (NM_001379245.1, NM_015678.5); short protein forms M1389V.
Identifiers: ClinVar variation 3373240 (VCV003373240.3).